The following is an entry in ClinVar:

NM_000179.3(MSH6):c.1946dup (p.Asp649fs)

Gene: MSH6 (mutS homolog 6; plus strand). Cytogenetic location: 2p16.3.
Variant type: Duplication.
Coding change: c.1946dup on transcript NM_000179.3 (MANE Select); coding-DNA position 1946, one base duplicated (A; older notation c.1946dupA).
Protein change: p.Asp649fs; shifts the reading frame from aspartic acid 649.
Molecular consequence: frameshift variant.
Genome position (GRCh38, 1-based): chr2:47,799,929, A duplicated. VCF-style (leftmost placement, unchanged base first): chr2-47799928-G-GA. GRCh37 (hg19) VCF-style: chr2-48027067-G-GA.
Other names: c.1556dup, p.Asp519fs (NM_001281492.2); c.1040dup, p.Asp347fs (NM_001281493.2, NM_001281494.2); c.2042dup, p.Asp681Glufs (NM_001406795.1, NM_001406802.1); c.1946dup, p.Asp649Glufs (NM_001406796.1, NM_001406798.1, NM_001406800.1 and 3 more transcripts); c.1649dup, p.Asp550Glufs (NM_001406797.1, NM_001406801.1, NM_001406805.1 and 10 more transcripts); c.1421dup, p.Asp474Glufs (NM_001406799.1, NM_001406806.1, NM_001406807.1); c.1868dup, p.Asp623Glufs (NM_001406804.1); c.1040dup, p.Asp347Glufs (NM_001406811.1, NM_001406812.1, NM_001406814.1 and 4 more transcripts); and 2 more; short protein forms D347fs, D519fs, D649fs.
Identifiers: ClinVar variation 1997963 (VCV001997963.4), dbSNP rs2530640422, ClinGen allele CA2580067734.

ClinVar aggregate classification (germline): Pathogenic (1 of 4 stars; one submission).

Conditions:
Hereditary nonpolyposis colorectal neoplasms. Identifiers: MedGen C0009405, MeSH D003123.

Submission:

Labcorp Genetics (formerly Invitae), Labcorp
Classification: Pathogenic for Hereditary nonpolyposis colorectal neoplasms. Last evaluated: 2022-05-22. Review status: criteria provided, single submitter. Criteria: Invitae Variant Classification Sherloc (09022015). Collection method: clinical testing. Allele origin: germline.
Comment: For these reasons, this variant has been classified as Pathogenic. This variant has not been reported in the literature in individuals affected with MSH6-related conditions. This variant is not present in population databases (gnomAD no frequency). This sequence change creates a premature translational stop signal (p.Asp649Glufs*12) in the MSH6 gene. It is expected to result in an absent or disrupted protein product. Loss-of-function variants in MSH6 are known to be pathogenic (PMID: 18269114, 24362816).

Literature cited by the submitters: PubMed 18269114; PubMed 24362816.